The following is an entry in ClinVar:

ClinVar aggregate classification (germline): Pathogenic/Likely pathogenic. Review status: criteria provided, multiple submitters, no conflicts (2 of 4 stars). 3 submissions from 3 submitters: Pathogenic (1); Likely pathogenic (2). Last evaluated 2026-09-17.

Conditions:
Basal laminar drusen. Also called: DRUSEN OF BRUCH MEMBRANE; DRUSEN, CUTICULAR; DRUSEN, EARLY ADULT-ONSET, GROUPED. Identifiers: Orphanet 75376, MedGen C0730295, MONDO:0007472, OMIM 126700.
Atypical hemolytic-uremic syndrome. Identifiers: Orphanet 2134, MedGen C2931788, MONDO:0016244.

gnomAD v4.1: 5 of 1,610,078 alleles (0.00031%); highest among the groups gnomAD compares: Non-Finnish European, 0.00042%; no homozygotes.

Submissions (3):

Genomenon, Inc
Classification: Pathogenic for Atypical hemolytic-uremic syndrome; Basal laminar drusen. Last evaluated: 2026-09-17. Review status: criteria provided, single submitter. Criteria: Genomenon Sequence Variant Interpretation Standards - Updated. Collection method: curation. Allele origin: germline. Affected: yes.
Comment: CFH c.619+1G>A is a canonical splice variant affecting the donor splice site of intron 5. It is predicted to affect mRNA splicing, leading to a deleterious effect on the CFH protein. This variant has been observed in at least one proband affected with a CFH-related disorder (PMID: 28752844; 30905644). It is absent or not present at a significant frequency in gnomAD. In conclusion, we classify CFH c.619+1G>A as a pathogenic variant.

Labcorp Genetics (formerly Invitae), Labcorp
Classification: Likely pathogenic. Last evaluated: 2025-11-23. Review status: criteria provided, single submitter. Criteria: Invitae Variant Classification Sherloc (09022015). Collection method: clinical testing. Allele origin: germline.
Comment: This sequence change affects a donor splice site in intron 5 of the CFH gene. It is expected to disrupt RNA splicing. Variants that disrupt the donor or acceptor splice site typically lead to a loss of protein function (PMID: 16199547), and loss-of-function variants in CFH are known to be pathogenic (PMID: 11170896, 14978182, 16621965, 23870792, 25188723). This variant is not present in population databases (gnomAD no frequency). Disruption of this splice site has been observed in individual(s) with atypical hemolytic uremic syndrome and/or macular degeneration (PMID: 28752844, 30905644, 35372954, 37369098). ClinVar contains an entry for this variant (Variation ID: 3765465). Algorithms developed to predict the effect of sequence changes on RNA splicing suggest that this variant may disrupt the consensus splice site. In summary, the currently available evidence indicates that the variant is pathogenic, but additional data are needed to prove that conclusively. Therefore, this variant has been classified as Likely Pathogenic.

Center for Genomic Medicine, Rigshospitalet, Copenhagen University Hospital
Classification: Likely pathogenic. Last evaluated: 2025-03-04. Review status: criteria provided, single submitter. Criteria: ACMG Guidelines, 2015. Collection method: clinical testing. Allele origin: germline.

Literature cited by the submitters: PubMed 28752844 (cited by 3 submitters); PubMed 30905644 (cited by Genomenon, Inc and Labcorp Genetics (formerly Invitae), Labcorp); PubMed 16199547 (cited by Labcorp Genetics (formerly Invitae), Labcorp); PubMed 11170896 (cited by Labcorp Genetics (formerly Invitae), Labcorp); PubMed 14978182 (cited by Labcorp Genetics (formerly Invitae), Labcorp); PubMed 16621965 (cited by Labcorp Genetics (formerly Invitae), Labcorp); PubMed 23870792 (cited by Labcorp Genetics (formerly Invitae), Labcorp); PubMed 25188723 (cited by Labcorp Genetics (formerly Invitae), Labcorp); PubMed 35372954 (cited by Labcorp Genetics (formerly Invitae), Labcorp and Center for Genomic Medicine, Rigshospitalet, Copenhagen University Hospital); PubMed 37369098 (cited by Labcorp Genetics (formerly Invitae), Labcorp and Center for Genomic Medicine, Rigshospitalet, Copenhagen University Hospital).

NM_000186.4(CFH):c.619+1G>A

Gene: CFH (complement factor H; plus strand). Cytogenetic location: 1q31.3.
Variant type: single nucleotide variant.
Coding change: c.619+1G>A on transcript NM_000186.4 (MANE Select); the canonical splice donor site of the intron after coding-DNA position 619, G replaced by A.
Molecular consequence: splice donor variant.
Genome position (GRCh38, 1-based): chr1:196,677,668, G>A. VCF-style: chr1-196677668-G-A. GRCh37 (hg19) VCF-style: chr1-196646798-G-A.
Other names: c.619+1G>A (NM_001014975.3).
Identifiers: ClinVar variation 3765465 (VCV003765465.4).